The following is an entry in ClinVar:

NM_000264.5(PTCH1):c.512C>T (p.Thr171Ile)

Gene: PTCH1 (patched 1; minus strand). Cytogenetic location: 9q22.32.
Variant type: single nucleotide variant.
Coding change: c.512C>T on transcript NM_000264.5 (MANE Select); coding-DNA position 512, C replaced by T.
Protein change: p.Thr171Ile; replaces threonine 171 with isoleucine.
Molecular consequence: missense variant. On other transcripts: non-coding transcript variant (1).
Genome position (GRCh38, 1-based): chr9:95,485,757, G>A on the plus strand (C>T on the coding strand, the complement: PTCH1 is on the minus strand). VCF-style: chr9-95485757-G-A. GRCh37 (hg19) VCF-style: chr9-98248039-G-A.
Other names: c.314C>T, p.Thr105Ile (NM_001083602.3, NM_001354919.2); c.509C>T, p.Thr170Ile (NM_001083603.3); c.59C>T, p.Thr20Ile (NM_001083604.3, NM_001083605.3, NM_001083606.3 and 1 more transcripts); c.512C>T, p.Thr171Ile (NM_001354918.2); c.512C>T (NM_000264.4); short protein forms T105I, T171I, T20I, T170I.
Identifiers: ClinVar variation 524522 (VCV000524522.13), dbSNP rs1554702106, ClinGen allele CA374116855.
Genomic context (GRCh38, chr9:95,485,757, plus strand): 5'-TATACATGGACACGGCTGGCCTGGAGTGCCGAGTCCAGGTGTTGTAGGAGCGCTTCTGTG[G>A]TCAGGACATTAGCACCTTCTTCTTTAGGGGTCTGTATCATGAGTTGAGGATTAAACATAG-3'
Protein context (NP_000255.2, residues 161-181): TPKEEGANVL[Thr171Ile]TEALLQHLDS

ClinVar aggregate classification (germline): Uncertain significance. Review status: criteria provided, multiple submitters, no conflicts (2 of 4 stars). 3 submissions from 3 submitters: Uncertain significance (3). Last evaluated 2025-11-14.

Conditions:
Hereditary cancer-predisposing syndrome. Also called: Neoplastic Syndromes, Hereditary; Tumor predisposition; Hereditary Cancer Syndrome; Hereditary neoplastic syndrome. Identifiers: Orphanet 140162, MedGen C0027672, MeSH D009386, MONDO:0015356.
Gorlin syndrome. Also called: Nevoid Basal Cell Carcinoma Syndrome; Basal cell nevus syndrome. Identifiers: Orphanet 377, MedGen C0004779, MONDO:0007187.

Submissions (3):

Ambry Genetics
Classification: Uncertain significance for Hereditary cancer-predisposing syndrome. Last evaluated: 2025-11-14. Review status: criteria provided, single submitter. Criteria: Ambry Variant Classification Scheme 2023. Collection method: clinical testing. Allele origin: germline.
Comment: The p.T171I variant (also known as c.512C>T), located in coding exon 3 of the PTCH1 gene, results from a C to T substitution at nucleotide position 512. The threonine at codon 171 is replaced by isoleucine, an amino acid with similar properties. This amino acid position is highly conserved in available vertebrate species. In addition, this alteration is predicted to be deleterious by in silico analysis. Based on the available evidence, the clinical significance of this variant remains unclear.

Quest Diagnostics Nichols Institute San Juan Capistrano
Classification: Uncertain significance. Last evaluated: 2025-02-19. Review status: criteria provided, single submitter. Criteria: Quest Diagnostics criteria. Collection method: clinical testing. Allele origin: unknown.
Comment: The PTCH1 c.512C>T (p.Thr171Ile) variant has not been reported in individuals with PTCH1-related conditions in the published literature. It also has not been reported in large, multi-ethnic general populations (Genome Aggregation Database). Analysis of this variant using bioinformatics tools for the prediction of the effect of amino acid changes on protein structure and function yielded predictions that this variant is damaging. Based on the available information, we are unable to determine the clinical significance of this variant.

Labcorp Genetics (formerly Invitae), Labcorp
Classification: Uncertain significance for Gorlin syndrome. Last evaluated: 2022-10-31. Review status: criteria provided, single submitter. Criteria: Invitae Variant Classification Sherloc (09022015). Collection method: clinical testing. Allele origin: germline.
Comment: This variant is not present in population databases (gnomAD no frequency). This sequence change replaces threonine, which is neutral and polar, with isoleucine, which is neutral and non-polar, at codon 171 of the PTCH1 protein (p.Thr171Ile). This variant has not been reported in the literature in individuals affected with PTCH1-related conditions. ClinVar contains an entry for this variant (Variation ID: 524522). Advanced modeling of protein sequence and biophysical properties (such as structural, functional, and spatial information, amino acid conservation, physicochemical variation, residue mobility, and thermodynamic stability) performed at Invitae indicates that this missense variant is not expected to disrupt PTCH1 protein function. In summary, the available evidence is currently insufficient to determine the role of this variant in disease. Therefore, it has been classified as a Variant of Uncertain Significance.